The following is an entry in ClinVar:

NM_000380.4(XPA):c.601_602del (p.Glu201fs)

Gene: XPA (XPA, DNA damage recognition and repair factor; minus strand). Cytogenetic location: 9q22.33.
Variant type: Deletion.
Coding change: c.601_602del on transcript NM_000380.4 (MANE Select); coding-DNA positions 601 to 602, 2 bases deleted (GA; older notation c.601_602delGA).
Protein change: p.Glu201fs; shifts the reading frame from glutamic acid 201.
Molecular consequence: frameshift variant. On other transcripts: non-coding transcript variant (5).
Genome position (GRCh38, 1-based): chr9:97,684,994-97,684,995, TC deleted on the plus strand (GA on the coding strand, the reverse complement: XPA is on the minus strand); deleting any 2 consecutive bases within chr9:97,684,994-97,684,996 gives the same sequence; the c. name uses the placement nearest the transcript's 3' end. VCF-style (leftmost placement, unchanged base first): chr9-97684993-TTC-T. GRCh37 (hg19) VCF-style: chr9-100447275-TTC-T.
Other names: c.475_476del, p.Glu159fs (NM_001354975.2); c.601_602delGA (NM_000380.3); short protein forms E159fs, E201fs.
Identifiers: ClinVar variation 556331 (VCV000556331.5), dbSNP rs1554701139, ClinGen allele CA658821485.
Genomic context (GRCh38, chr9:97,684,993, plus strand): 5'-TTTATCAAATTTCTTCTGTTTCATTTTTTCTCGGTTTTCCTGTCGGACTTCCTTTGCTTC[TTC>T]TAATGCTTCTTGACTACCCCAAACTTCAAGAGACCTCTTCACAATCTACAACACAAAATC-3'

ClinVar aggregate classification (germline): Pathogenic. Review status: criteria provided, single submitter (1 of 4 stars). 2 submissions from 2 submitters: Pathogenic (1). 1 of the submissions does not count toward it. Last evaluated 2024-09-03.

Conditions:
Xeroderma pigmentosum group A (XPA). Also called: Xeroderma pigmentosum, complementation group A; XP, group A; XPA-Related Xeroderma Pigmentosum. Identifiers: Orphanet 910, MedGen C0268135, MONDO:0010210, OMIM 278700.

Submissions (2):

Labcorp Genetics (formerly Invitae), Labcorp
Classification: Pathogenic. Last evaluated: 2024-09-03. Review status: criteria provided, single submitter. Criteria: Invitae Variant Classification Sherloc (09022015). Collection method: clinical testing. Allele origin: germline.
Comment: This sequence change creates a premature translational stop signal (p.Glu201Argfs*19) in the XPA gene. While this is not anticipated to result in nonsense mediated decay, it is expected to disrupt the last 73 amino acid(s) of the XPA protein. This variant is not present in population databases (gnomAD no frequency). This variant has not been reported in the literature in individuals affected with XPA-related conditions. ClinVar contains an entry for this variant (Variation ID: 556331). This variant disrupts a region of the XPA protein in which other variant(s) (p.Arg258Tyrfs*5) have been determined to be pathogenic (PMID: 31478152). This suggests that this is a clinically significant region of the protein, and that variants that disrupt it are likely to be disease-causing. For these reasons, this variant has been classified as Pathogenic.

Counsyl
Classification: Likely pathogenic for Xeroderma pigmentosum group A. Last evaluated: 2018-01-30. Review status: no assertion criteria provided. Collection method: clinical testing. Allele origin: unknown. Not counted in ClinVar's aggregate classification.

Literature cited by the submitters: PubMed 31478152 (cited by Labcorp Genetics (formerly Invitae), Labcorp).